The following is an entry in ClinVar:

NM_003742.4(ABCB11):c.2061C>G (p.Tyr687Ter)

Gene: ABCB11 (ATP binding cassette subfamily B member 11; minus strand). Cytogenetic location: 2q31.1.
Variant type: single nucleotide variant.
Coding change: c.2061C>G on transcript NM_003742.4 (MANE Select); coding-DNA position 2061, C replaced by G.
Protein change: p.Tyr687Ter; replaces tyrosine 687 with a stop codon.
Molecular consequence: nonsense.
Genome position (GRCh38, 1-based): chr2:168,968,441, G>C on the plus strand (C>G on the coding strand, the complement: ABCB11 is on the minus strand). VCF-style: chr2-168968441-G-C. GRCh37 (hg19) VCF-style: chr2-169824951-G-C.
Other names: short protein forms Y687*.
Identifiers: ClinVar variation 4846232 (VCV004846232.1).
Genomic context (GRCh38, chr2:168,968,441, plus strand): 5'-CAGAATATTTGGAAAGCTTGTAATCTGCCCCATGGCTTGAGCTTACCTTAAACTATCCTG[G>C]TAGCTCCCTCTGCTAAAGGTCCTCGCAAGCATGTCATCTTCAGTTGCATCTACTCAACAC-3'

ClinVar aggregate classification (germline): Pathogenic (1 of 4 stars; one submission).

Conditions:
Familial intrahepatic cholestasis. Identifiers: Orphanet 284385, MedGen CN296401, MONDO:0017290.

Submission:

Genomenon, Inc
Classification: Pathogenic for Familial intrahepatic cholestasis. Last evaluated: 2026-04-14. Review status: criteria provided, single submitter. Criteria: Genomenon Sequence Variant Interpretation Standards - Updated. Collection method: curation. Allele origin: germline. Affected: yes.
Comment: ABCB11 p.Tyr687Ter (c.2061C>G) is a nonsense variant that introduces a premature stop codon at amino acid position 687, creating a truncated protein that is predicted to undergo nonsense-mediated mRNA decay. This variant has been observed in at least one proband with an ABCB11-related disorder (PMID:35626323). It is absent or not present at a significant frequency in gnomAD. In conclusion, we classify ABCB11 p.Tyr687Ter (c.2061C>G) as a pathogenic variant.

Literature cited by the submitters: PubMed 35626323.